The following is an entry in ClinVar:

ClinVar aggregate classification (germline): Conflicting classifications of pathogenicity. Review status: criteria provided, conflicting classifications (1 of 4 stars). 3 submissions from 3 submitters: Uncertain significance (1); Benign (1). 1 of the submissions does not count toward it. Last evaluated 2025-12-21.

Conditions:
Oto-palato-digital syndrome, type II (OPD2). Also called: FACIOPALATOOSSEOUS SYNDROME; OPD II SYNDROME; Otopalatodigital Syndrome, Type II; Otopalatodigital Syndrome Type 2 (FLNA-OPD2). Identifiers: Orphanet 669, Orphanet 90652, MedGen C1844696, MONDO:0010571, OMIM 304120.
Melnick-Needles syndrome (MNS). Also called: MELNICK-NEEDLES OSTEODYSPLASTY; OSTEODYSPLASTY OF MELNICK AND NEEDLES; Melnick-Needles Syndrome (FLNA-MNS). Identifiers: Orphanet 2484, MedGen C0025237, MONDO:0010650, OMIM 309350.
Frontometaphyseal dysplasia (FMD1). Identifiers: Orphanet 1826, MedGen C0265293, MONDO:0015942.
Heterotopia, periventricular, X-linked dominant (PVNH1). Also called: PERIVENTRICULAR NODULAR HETEROTOPIA 1; X-linked periventricular heterotopia; PERIVENTRICULAR NODULAR HETEROTOPIA 4; HETEROTOPIA, PERIVENTRICULAR, 1. Identifiers: Orphanet 2149, Orphanet 82004, MedGen C1848213, MONDO:0010233, OMIM 300049.
FLNA-related disorder.

Allele frequency attached by ClinVar (database versions not stated): gnomAD 0.00001; gnomAD exomes 0.00001; TOPMed 0.00001.

Submissions (3):

Labcorp Genetics (formerly Invitae), Labcorp
Classification: Benign for Oto-palato-digital syndrome, type II; Heterotopia, periventricular, X-linked dominant; Frontometaphyseal dysplasia; Melnick-Needles syndrome. Last evaluated: 2025-12-21. Review status: criteria provided, single submitter. Criteria: Invitae Variant Classification Sherloc (09022015). Collection method: clinical testing. Allele origin: germline.

Eurofins Ntd Llc (ga)
Classification: Uncertain significance. Last evaluated: 2014-11-21. Review status: criteria provided, single submitter. Criteria: EGL Classification Definitions 2015. Collection method: clinical testing. Allele origin: germline. Observed: 1 variant allele, 1 hemizygote.

PreventionGenetics, part of Exact Sciences
Classification: Likely benign for FLNA-related condition. Last evaluated: 2020-10-26. Review status: no assertion criteria provided. Collection method: clinical testing. Allele origin: germline. Not counted in ClinVar's aggregate classification.
Comment: This variant is classified as likely benign based on ACMG/AMP sequence variant interpretation guidelines (Richards et al. 2015 PMID: 25741868, with internal and published modifications).

NM_001110556.2(FLNA):c.2826+7A>G

Gene: FLNA (filamin A; minus strand). Cytogenetic location: Xq28.
Variant type: single nucleotide variant.
Coding change: c.2826+7A>G on transcript NM_001110556.2 (MANE Select); 7 bases into the intron after coding-DNA position 2826, A replaced by G.
Molecular consequence: intron variant.
Genome position (GRCh38, 1-based): chrX:154,361,972, T>C on the plus strand (A>G on the coding strand, the complement: FLNA is on the minus strand). VCF-style: chrX-154361972-T-C. GRCh37 (hg19) VCF-style: chrX-153590340-T-C.
Other names: c.2826+7A>G (NM_001110556.1, NM_001456.4).
Identifiers: ClinVar variation 194934 (VCV000194934.15), dbSNP rs782545599, ClinGen allele CA241179.